The following is an entry in ClinVar:

ClinVar aggregate classification (germline): Uncertain significance (1 of 4 stars; one submission).

Allele frequency attached by ClinVar (database versions not stated): gnomAD exomes below 0.00001.
gnomAD v4.1: 1 of 1,613,964 alleles (0.000062%); highest among the groups gnomAD compares: Non-Finnish European, 0.000085%; no homozygotes.

Submission:

GeneDx
Classification: Uncertain significance. Last evaluated: 2023-03-13. Review status: criteria provided, single submitter. Criteria: GeneDx Variant Classification Process June 2021. Collection method: clinical testing. Allele origin: germline. Affected: yes.
Comment: Not observed at significant frequency in large population cohorts (gnomAD); In silico analysis supports that this missense variant has a deleterious effect on protein structure/function; Has not been previously published as pathogenic or benign to our knowledge

NM_001012426.2(FOXP4):c.1027C>T (p.Arg343Trp)

Gene: FOXP4 (forkhead box P4; plus strand). Cytogenetic location: 6p21.1.
Variant type: single nucleotide variant.
Coding change: c.1027C>T on transcript NM_001012426.2 (MANE Select); coding-DNA position 1027, C replaced by T.
Protein change: p.Arg343Trp; replaces arginine 343 with tryptophan.
Molecular consequence: missense variant.
Genome position (GRCh38, 1-based): chr6:41,588,693, C>T. VCF-style: chr6-41588693-C-T. GRCh37 (hg19) VCF-style: chr6-41556431-C-T.
Other names: c.1021C>T, p.Arg341Trp (NM_001012427.2); c.1027C>T, p.Arg343Trp (NM_001405824.1); c.931C>T, p.Arg311Trp (NM_001405825.1, NM_001405826.1); c.1024C>T, p.Arg342Trp (NM_138457.3); short protein forms R311W, R341W, R342W, R343W.
Identifiers: ClinVar variation 2579797 (VCV002579797.1), dbSNP rs2532416003, ClinGen allele CA364068738.